The following is an entry in ClinVar:

NM_020987.5(ANK3):c.2756C>T (p.Ser919Leu)

Gene: ANK3 (ankyrin 3; minus strand). Cytogenetic location: 10q21.2.
Variant type: single nucleotide variant.
Coding change: c.2756C>T on transcript NM_020987.5 (MANE Select); coding-DNA position 2756, C replaced by T.
Protein change: p.Ser919Leu; replaces serine 919 with leucine.
Molecular consequence: missense variant.
Genome position (GRCh38, 1-based): chr10:60,134,356, G>A on the plus strand (C>T on the coding strand, the complement: ANK3 is on the minus strand). VCF-style: chr10-60134356-G-A. GRCh37 (hg19) VCF-style: chr10-61894114-G-A.
Other names: c.158C>T, p.Ser53Leu (NM_001149.4); c.2738C>T, p.Ser913Leu (NM_001204403.2); c.2759C>T, p.Ser920Leu (NM_001204404.2); c.2756C>T, p.Ser919Leu (NM_001320874.2); short protein forms S919L, S53L, S913L, S920L.
Identifiers: ClinVar variation 2915893 (VCV002915893.3), dbSNP rs775705277, ClinGen allele CA5512636.

ClinVar aggregate classification (germline): Uncertain significance (1 of 4 stars; one submission).

Allele frequency attached by ClinVar (database versions not stated): gnomAD 0.00001; ExAC 0.00002; TOPMed 0.00002.
gnomAD v4.1: 21 of 1,613,112 alleles (0.0013%); highest among the groups gnomAD compares: Admixed American, 0.005%; no homozygotes.

Submission:

Labcorp Genetics (formerly Invitae), Labcorp
Classification: Uncertain significance. Last evaluated: 2023-05-12. Review status: criteria provided, single submitter. Criteria: Invitae Variant Classification Sherloc (09022015). Collection method: clinical testing. Allele origin: germline.
Comment: This variant has not been reported in the literature in individuals affected with ANK3-related conditions. This variant is present in population databases (rs775705277, gnomAD 0.006%). This sequence change replaces serine, which is neutral and polar, with leucine, which is neutral and non-polar, at codon 919 of the ANK3 protein (p.Ser919Leu). Advanced modeling of protein sequence and biophysical properties (such as structural, functional, and spatial information, amino acid conservation, physicochemical variation, residue mobility, and thermodynamic stability) performed at Invitae indicates that this missense variant is not expected to disrupt ANK3 protein function. In summary, the available evidence is currently insufficient to determine the role of this variant in disease. Therefore, it has been classified as a Variant of Uncertain Significance.